The following is an entry in ClinVar:

NM_015335.5(MED13L):c.820+4A>G

Gene: MED13L (mediator complex subunit 13L; minus strand). Cytogenetic location: 12q24.21.
Variant type: single nucleotide variant.
Coding change: c.820+4A>G on transcript NM_015335.5 (MANE Select); 4 bases into the intron after coding-DNA position 820, A replaced by G.
Molecular consequence: intron variant.
Genome position (GRCh38, 1-based): chr12:116,019,774, T>C on the plus strand (A>G on the coding strand, the complement: MED13L is on the minus strand). VCF-style: chr12-116019774-T-C. GRCh37 (hg19) VCF-style: chr12-116457579-T-C.
Other names: c.820+4A>G (NM_015335.4).
Identifiers: ClinVar variation 3369226 (VCV003369226.3).
Genomic context (GRCh38, chr12:116,019,774, plus strand): 5'-TATCTTTTTAAATTAAGGAAGAGGAAGAAGAATAAAGTTCTTCAGGCAAAATATTTTCTC[T>C]TACCAACAATTACTTCAACTGCCACAGGGAAATCATCATCATATCCCAACTCGTCTTCCT-3'

ClinVar aggregate classification (germline): Uncertain significance. Review status: criteria provided, multiple submitters, no conflicts (2 of 4 stars). 2 submissions from 2 submitters: Uncertain significance (2). Last evaluated 2024-12-13.

Conditions:
Inborn genetic diseases. Identifiers: MedGen C0950123, MeSH D030342.

Submissions (2):

Ambry Genetics
Classification: Uncertain significance for Inborn genetic diseases. Last evaluated: 2024-12-13. Review status: criteria provided, single submitter. Criteria: Ambry Variant Classification Scheme 2023. Collection method: clinical testing. Allele origin: germline.
Comment: The c.820+4A>G intronic alteration results from an A to G substitution 4 nucleotides after coding exon 6 of the MED13L gene. This variant was not reported in population-based cohorts in the Genome Aggregation Database (gnomAD). This nucleotide position is well conserved in available vertebrate species. RNA studies have demonstrated that this alteration results in a transcript predicted to lead to a protein with an in-frame deletion of 65 amino acids; however, the exact functional impact of the deleted amino acids is unknown at this time (Ambry internal data). In silico splice site analysis predicts that this alteration may weaken the native splice donor site. Based on insufficient or conflicting evidence, the clinical significance of this alteration remains unclear.

GeneDx
Classification: Uncertain significance. Last evaluated: 2024-02-17. Review status: criteria provided, single submitter. Criteria: GeneDx Variant Classification Process June 2021. Collection method: clinical testing. Allele origin: germline. Affected: yes.
Comment: Not observed at significant frequency in large population cohorts (gnomAD); Has not been previously published as pathogenic or benign to our knowledge; In silico analysis is inconclusive as to whether the variant alters gene splicing. In the absence of RNA/functional studies, the actual effect of this sequence change is unknown.